The following is an entry in ClinVar:

ClinVar aggregate classification (germline): Uncertain significance. Review status: criteria provided, multiple submitters, no conflicts (2 of 4 stars). 2 submissions from 2 submitters: Uncertain significance (2). Last evaluated 2024-04-19.

Conditions:
Inborn genetic diseases. Identifiers: MedGen C0950123, MeSH D030342.
Very long chain acyl-CoA dehydrogenase deficiency (ACADVLD). Also called: Very Long-Chain Acyl-Coenzyme A Dehydrogenase Deficiency; VLCAD Deficiency. Identifiers: Orphanet 26793, MedGen C3887523, MONDO:0008723, OMIM 201475.

Allele frequency attached by ClinVar (database versions not stated): TOPMed below 0.00001; ExAC 0.00001; gnomAD 0.00001; gnomAD exomes 0.00001 and 0.00003.
gnomAD v4.1: 38 of 1,613,130 alleles (0.0024%); highest among the groups gnomAD compares: Non-Finnish European, 0.0031%; no homozygotes.

Submissions (2):

Ambry Genetics
Classification: Uncertain significance for Inborn genetic diseases. Last evaluated: 2024-04-19. Review status: criteria provided, single submitter. Criteria: Ambry Variant Classification Scheme 2023. Collection method: clinical testing. Allele origin: germline.

Labcorp Genetics (formerly Invitae), Labcorp
Classification: Uncertain significance for Very long chain acyl-CoA dehydrogenase deficiency. Last evaluated: 2021-08-14. Review status: criteria provided, single submitter. Criteria: Invitae Variant Classification Sherloc (09022015). Collection method: clinical testing. Allele origin: germline.
Comment: This sequence change replaces glutamic acid with lysine at codon 277 of the ACADVL protein (p.Glu277Lys). The glutamic acid residue is moderately conserved and there is a small physicochemical difference between glutamic acid and lysine. This variant is present in population databases (no rsID available, ExAC 0.009%). This variant has not been reported in the literature in individuals affected with ACADVL-related conditions. Algorithms developed to predict the effect of missense changes on protein structure and function are either unavailable or do not agree on the potential impact of this missense change (SIFT: "Deleterious"; PolyPhen-2: "Benign"; Align-GVGD: "Class C15"). In summary, the available evidence is currently insufficient to determine the role of this variant in disease. Therefore, it has been classified as a Variant of Uncertain Significance.

NM_000018.4(ACADVL):c.829G>A (p.Glu277Lys)

Gene: ACADVL (acyl-CoA dehydrogenase very long chain; plus strand). Cytogenetic location: 17p13.1.
Variant type: single nucleotide variant.
Coding change: c.829G>A on transcript NM_000018.4 (MANE Select); coding-DNA position 829, G replaced by A.
Protein change: p.Glu277Lys; replaces glutamic acid 277 with lysine.
Molecular consequence: missense variant.
Genome position (GRCh38, 1-based): chr17:7,222,253, G>A. VCF-style: chr17-7222253-G-A. GRCh37 (hg19) VCF-style: chr17-7125572-G-A.
Other names: c.763G>A, p.Glu255Lys (NM_001033859.3); c.898G>A, p.Glu300Lys (NM_001270447.2); c.601G>A, p.Glu201Lys (NM_001270448.2); c.829G>A (NM_000018.2); short protein forms E201K, E277K, E300K, E255K.
Identifiers: ClinVar variation 1517801 (VCV001517801.6), dbSNP rs1208459885, ClinGen allele CA8337863.
Genomic context (GRCh38, chr17:7,222,253, plus strand): 5'-GACATCTTCACGGTCTTTGCCAAGACACCAGTTACAGATCCAGCCACAGGAGCCGTGAAG[G>A]AGAAGATCACAGCTTTTGTGGTGGAGAGGGGCTTCGGGGGCATTACCCAGTGAGTGAATT-3'
Protein context (NP_000009.1, residues 267-287): VTDPATGAVK[Glu277Lys]KITAFVVERG